The following is an entry in ClinVar:

NM_014786.4(ARHGEF17):c.2324T>C (p.Met775Thr)

Gene: ARHGEF17 (Rho guanine nucleotide exchange factor 17; plus strand). Cytogenetic location: 11q13.4.
Variant type: single nucleotide variant.
Coding change: c.2324T>C on transcript NM_014786.4 (MANE Select); coding-DNA position 2324, T replaced by C.
Protein change: p.Met775Thr; replaces methionine 775 with threonine.
Molecular consequence: missense variant.
Genome position (GRCh38, 1-based): chr11:73,310,962, T>C. VCF-style: chr11-73310962-T-C. GRCh37 (hg19) VCF-style: chr11-73022007-T-C.
Other names: short protein forms M775T.
Identifiers: ClinVar variation 3770629 (VCV003770629.13).
Genomic context (GRCh38, chr11:73,310,962, plus strand): 5'-TGGACAGCAACCTCCTGGGCTCACTGAGCCCCAAGACAGGGCTCCCTGCCACCTCAGCCA[T>C]GGATGAGGGCTTGACCAGTGGTCACAGTGACTGGTCTGTGGGCAGTGAAGAGAGCAAGGG-3'
Protein context (NP_055601.2, residues 765-785): PKTGLPATSA[Met775Thr]DEGLTSGHSD

ClinVar aggregate classification (germline): Likely benign (1 of 4 stars; one submission).

gnomAD v4.1: 2,752 of 1,613,982 alleles (0.17%); highest among the groups gnomAD compares: Middle Eastern, 0.36%; 3 homozygotes.

Submission:

CeGaT Center for Human Genetics Tuebingen
Classification: Likely benign. Last evaluated: 2025-11-01. Review status: criteria provided, single submitter. Criteria: CeGaT Center For Human Genetics Tuebingen Variant Classification Criteria Version 2. Collection method: clinical testing. Allele origin: germline. Affected: yes. Observed: 2 variant alleles.
Comment: ARHGEF17: BP4, BS2